The following is an entry in ClinVar:

NM_000548.5(TSC2):c.2740A>C (p.Lys914Gln)

Gene: TSC2 (TSC complex subunit 2; plus strand). Cytogenetic location: 16p13.3.
Variant type: single nucleotide variant.
Coding change: c.2740A>C on transcript NM_000548.5 (MANE Select); coding-DNA position 2740, A replaced by C.
Protein change: p.Lys914Gln; replaces lysine 914 with glutamine.
Molecular consequence: missense variant.
Genome position (GRCh38, 1-based): chr16:2,076,168, A>C. VCF-style: chr16-2076168-A-C. GRCh37 (hg19) VCF-style: chr16-2126169-A-C.
Other names: c.2740A>C, p.Lys914Gln (NM_001077183.3, NM_001114382.3, NM_001363528.2 and 3 more transcripts); c.2629A>C, p.Lys877Gln (NM_001318827.2); c.2593A>C, p.Lys865Gln (NM_001318829.2); c.2140A>C, p.Lys714Gln (NM_001318831.2); c.2773A>C, p.Lys925Gln (NM_001318832.2); short protein forms K914Q, K865Q, K714Q, K925Q, K877Q.
Identifiers: ClinVar variation 535953 (VCV000535953.17), dbSNP rs1422374195, ClinGen allele CA394279626.
Genomic context (GRCh38, chr16:2,076,168, plus strand): 5'-GCCATGTGGTTCATCAGGTGCCGCCTGCCCTTCCGGAAGGATTTTGTCCCTTTCATCACT[A>C]AGGTGGGCTCAGGGCCGGTGAAGGCTGTGTCTCTCGGTAGGCCAGGGCTTGCTTTGCCCT-3'
Protein context (NP_000539.2, residues 904-924): FRKDFVPFIT[Lys914Gln]GLRSNVLLSF

ClinVar aggregate classification (germline): Uncertain significance. Review status: criteria provided, multiple submitters, no conflicts (2 of 4 stars). 5 submissions from 5 submitters: Uncertain significance (5). Last evaluated 2025-12-24.

Conditions:
Tuberous sclerosis 2 (TSC2). Identifiers: Orphanet 805, MedGen C1860707, MONDO:0013199, OMIM 613254.
Isolated focal cortical dysplasia type II (FCORD2). Also called: Focal cortical dysplasia type II; CORTICAL DYSPLASIA OF TAYLOR. Identifiers: Orphanet 268994, MedGen C1846385, MONDO:0011818, OMIM 607341, HP:0032051.
Lymphangiomyomatosis (LAM). Also called: Lymphangioleiomyomatosis; Lymphangioleiomyomatosis, somatic. Identifiers: Orphanet 538, MedGen C0751674, MONDO:0011705, OMIM 606690.
Hereditary cancer-predisposing syndrome. Also called: Neoplastic Syndromes, Hereditary; Tumor predisposition; Hereditary Cancer Syndrome; Hereditary neoplastic syndrome. Identifiers: Orphanet 140162, MedGen C0027672, MeSH D009386, MONDO:0015356.

Allele frequency attached by ClinVar (database versions not stated): gnomAD exomes below 0.00001.
gnomAD v4.1: 2 of 1,613,076 alleles (0.00012%); highest among the groups gnomAD compares: Admixed American, 0.0017%; no homozygotes.

Submissions (5):

Labcorp Genetics (formerly Invitae), Labcorp
Classification: Uncertain significance for Tuberous sclerosis 2. Last evaluated: 2025-12-24. Review status: criteria provided, single submitter. Criteria: Invitae Variant Classification Sherloc (09022015). Collection method: clinical testing. Allele origin: germline.
Comment: This sequence change replaces lysine, which is basic and polar, with glutamine, which is neutral and polar, at codon 914 of the TSC2 protein (p.Lys914Gln). This variant is present in population databases (no rsID available, gnomAD 0.003%). This variant has not been reported in the literature in individuals affected with TSC2-related conditions. ClinVar contains an entry for this variant (Variation ID: 535953). An algorithm developed to predict the effect of missense changes on protein structure and function (PolyPhen-2) suggests that this variant is likely to be tolerated. In summary, the available evidence is currently insufficient to determine the role of this variant in disease. Therefore, it has been classified as a Variant of Uncertain Significance.

Ambry Genetics
Classification: Uncertain significance for Hereditary cancer-predisposing syndrome. Last evaluated: 2024-01-08. Review status: criteria provided, single submitter. Criteria: Ambry Variant Classification Scheme 2023. Collection method: clinical testing. Allele origin: germline.
Comment: The p.K914Q variant (also known as c.2740A>C), located in coding exon 23 of the TSC2 gene, results from an A to C substitution at nucleotide position 2740. The lysine at codon 914 is replaced by glutamine, an amino acid with similar properties. This amino acid position is highly conserved in available vertebrate species. In addition, this alteration is predicted to be deleterious by in silico analysis. Since supporting evidence is limited at this time, the clinical significance of this alteration remains unclear.

GeneDx
Classification: Uncertain significance. Last evaluated: 2024-01-03. Review status: criteria provided, single submitter. Criteria: GeneDx Variant Classification Process June 2021. Collection method: clinical testing. Allele origin: germline. Affected: yes.
Comment: In silico analysis supports that this missense variant does not alter protein structure/function; Has not been previously published as pathogenic or benign to our knowledge

Genome-Nilou Lab
Classification: Uncertain significance for Tuberous sclerosis 2. Last evaluated: 2021-11-07. Review status: criteria provided, single submitter. Criteria: ACMG Guidelines, 2015. Collection method: clinical testing. Allele origin: germline. Affected: no.

Fulgent Genetics
Classification: Uncertain significance for Lymphangiomyomatosis; Isolated focal cortical dysplasia type II; Tuberous sclerosis 2. Last evaluated: 2021-07-19. Review status: criteria provided, single submitter. Criteria: ACMG Guidelines, 2015. Collection method: clinical testing. Allele origin: unknown.